The following is an entry in ClinVar:

ClinVar aggregate classification (germline): Uncertain significance (1 of 4 stars; one submission).

Allele frequency attached by ClinVar (database versions not stated): TOPMed below 0.00001; gnomAD 0.00001; gnomAD exomes 0.00001.

Submission:

Labcorp Genetics (formerly Invitae), Labcorp
Classification: Uncertain significance. Last evaluated: 2022-06-28. Review status: criteria provided, single submitter. Criteria: Invitae Variant Classification Sherloc (09022015). Collection method: clinical testing. Allele origin: germline.
Comment: This sequence change replaces glycine, which is neutral and non-polar, with arginine, which is basic and polar, at codon 24 of the ADAMTS18 protein (p.Gly24Arg). This variant is not present in population databases (gnomAD no frequency). This variant has not been reported in the literature in individuals affected with ADAMTS18-related conditions. Algorithms developed to predict the effect of missense changes on protein structure and function output the following: SIFT: "Not Available"; PolyPhen-2: "Benign"; Align-GVGD: "Not Available". The arginine amino acid residue is found in multiple mammalian species, which suggests that this missense change does not adversely affect protein function. In summary, the available evidence is currently insufficient to determine the role of this variant in disease. Therefore, it has been classified as a Variant of Uncertain Significance.

NM_199355.4(ADAMTS18):c.70G>A (p.Gly24Arg)

Gene: ADAMTS18 (ADAM metallopeptidase with thrombospondin type 1 motif 18; minus strand). Cytogenetic location: 16q23.1.
Variant type: single nucleotide variant.
Coding change: c.70G>A on transcript NM_199355.4 (MANE Select); coding-DNA position 70, G replaced by A.
Protein change: p.Gly24Arg; replaces glycine 24 with arginine.
Molecular consequence: missense variant. On other transcripts: 5 prime UTR variant (1).
Genome position (GRCh38, 1-based): chr16:77,434,626, C>T on the plus strand (G>A on the coding strand, the complement: ADAMTS18 is on the minus strand). VCF-style: chr16-77434626-C-T. GRCh37 (hg19) VCF-style: chr16-77468523-C-T.
Other names: c.-451G>A (NM_001326358.2); short protein forms G24R.
Identifiers: ClinVar variation 1462716 (VCV001462716.3), dbSNP rs1354531683, ClinGen allele CA396851893.